The following is an entry in ClinVar:

NM_033305.3(VPS13A):c.78dup (p.Leu27fs)

Genes: VPS13A (vacuolar protein sorting 13 homolog A; plus strand), VPS13A-AS1 (VPS13A antisense RNA 1; minus strand). Cytogenetic location: 9q21.2.
Variant type: Duplication.
Coding change: c.78dup on transcript NM_033305.3 (MANE Select); coding-DNA position 78, one base duplicated (G; older notation c.78dupG).
Protein change: p.Leu27fs; shifts the reading frame from leucine 27.
Molecular consequence: frameshift variant. On other transcripts: non-coding transcript variant (1).
Genome position (GRCh38, 1-based): chr9:77,177,782, G duplicated. VCF-style (leftmost placement, unchanged base first): chr9-77177781-A-AG. GRCh37 (hg19) VCF-style: chr9-79792697-A-AG.
Other names: c.78dup, p.Leu27fs (NM_001018037.2, NM_001018038.3, NM_015186.4); short protein forms L27fs.
Identifiers: ClinVar variation 1076960 (VCV001076960.7), dbSNP rs2131030277, ClinGen allele CA2499219950.

ClinVar aggregate classification (germline): Pathogenic (1 of 4 stars; one submission).

Submission:

Labcorp Genetics (formerly Invitae), Labcorp
Classification: Pathogenic. Last evaluated: 2020-05-05. Review status: criteria provided, single submitter. Criteria: Invitae Variant Classification Sherloc (09022015). Collection method: clinical testing. Allele origin: germline.
Comment: For these reasons, this variant has been classified as Pathogenic. This sequence change creates a premature translational stop signal (p.Leu27Alafs*18) in the VPS13A gene. It is expected to result in an absent or disrupted protein product. This variant is not present in population databases (ExAC no frequency). This variant has not been reported in the literature in individuals with VPS13A-related conditions. Loss-of-function variants in VPS13A are known to be pathogenic (PMID: 12404112, 21598378).

Literature cited by the submitters: PubMed 12404112; PubMed 21598378.